The following is an entry in ClinVar:

NM_001283009.2(RTEL1):c.1726C>T (p.Arg576Cys)

Genes: RTEL1 (regulator of telomere elongation helicase 1; plus strand), RTEL1-TNFRSF6B (RTEL1-TNFRSF6B readthrough (NMD candidate); plus strand). Cytogenetic location: 20q13.33.
Variant type: single nucleotide variant.
Coding change: c.1726C>T on transcript NM_001283009.2 (MANE Select); coding-DNA position 1726, C replaced by T.
Protein change: p.Arg576Cys; replaces arginine 576 with cysteine.
Molecular consequence: missense variant. On other transcripts: non-coding transcript variant (1).
Genome position (GRCh38, 1-based): chr20:63,688,531, C>T. VCF-style: chr20-63688531-C-T. GRCh37 (hg19) VCF-style: chr20-62319884-C-T.
Other names: c.1057C>T, p.Arg353Cys (NM_001283010.1); c.1726C>T, p.Arg576Cys (NM_016434.4); c.1798C>T, p.Arg600Cys (NM_032957.5); short protein forms R353C, R600C, R576C.
Identifiers: ClinVar variation 2173241 (VCV002173241.4), dbSNP rs753210449, ClinGen allele CA9964958.
Genomic context (GRCh38, chr20:63,688,531, plus strand): 5'-CTCATCGGATCGGCGGCGTGACCAGGGCTGCCGTGTCCCTGCCTCTTCCTCCCACAGGCC[C>T]GCGACTTGGCCAGGAAGATGGAGGCGCTGAAGCCGCTGTTTGTGGAGCCCAGGAGCAAAG-3'
Protein context (NP_001269938.1, residues 566-586): MEKSLEFWRA[Arg576Cys]DLARKMEALK

ClinVar aggregate classification (germline): Uncertain significance (1 of 4 stars; one submission).

Conditions:
Pulmonary fibrosis and/or bone marrow failure, Telomere-related, 3. Also called: PULMONARY FIBROSIS AND/OR BONE MARROW FAILURE SYNDROME, TELOMERE-RELATED, 3. Identifiers: Orphanet 2032, MedGen C4225346, MONDO:0014613, OMIM 616373.
Dyskeratosis congenita, autosomal recessive 5 (DKCB5). Identifiers: MedGen C3554656, MONDO:0014076, OMIM 615190.

Allele frequency attached by ClinVar (database versions not stated): ExAC 0.00001; gnomAD exomes 0.00004.
gnomAD v4.1: 52 of 1,610,164 alleles (0.0032%); highest among the groups gnomAD compares: Non-Finnish European, 0.0044%; no homozygotes.

Submission:

Labcorp Genetics (formerly Invitae), Labcorp
Classification: Uncertain significance for Dyskeratosis congenita, autosomal recessive 5; Pulmonary fibrosis and/or bone marrow failure, Telomere-related, 3. Last evaluated: 2025-06-17. Review status: criteria provided, single submitter. Criteria: Invitae Variant Classification Sherloc (09022015). Collection method: clinical testing. Allele origin: germline.
Comment: This sequence change replaces arginine, which is basic and polar, with cysteine, which is neutral and slightly polar, at codon 576 of the RTEL1 protein (p.Arg576Cys). The frequency data for this variant in the population databases is considered unreliable, as metrics indicate poor data quality at this position in the gnomAD database. This variant has not been reported in the literature in individuals affected with RTEL1-related conditions. ClinVar contains an entry for this variant (Variation ID: 2173241). An algorithm developed to predict the effect of missense changes on protein structure and function (PolyPhen-2) suggests that this variant is likely to be tolerated. In summary, the available evidence is currently insufficient to determine the role of this variant in disease. Therefore, it has been classified as a Variant of Uncertain Significance.